The following is an entry in ClinVar:

NM_002109.6(HARS1):c.1526G>T (p.Cys509Phe)

Gene: HARS1 (histidyl-tRNA synthetase 1; minus strand). Cytogenetic location: 5q31.3.
Variant type: single nucleotide variant.
Coding change: c.1526G>T on transcript NM_002109.6 (MANE Select); coding-DNA position 1526, G replaced by T.
Protein change: p.Cys509Phe; replaces cysteine 509 with phenylalanine.
Molecular consequence: missense variant.
Genome position (GRCh38, 1-based): chr5:140,674,261, C>A on the plus strand (G>T on the coding strand, the complement: HARS1 is on the minus strand). VCF-style: chr5-140674261-C-A. GRCh37 (hg19) VCF-style: chr5-140053846-C-A.
Other names: c.1406G>T, p.Cys469Phe (NM_001258040.3); c.1466G>T, p.Cys489Phe (NM_001258041.3); c.1346G>T, p.Cys449Phe (NM_001258042.3); c.1304G>T, p.Cys435Phe (NM_001289092.2); c.1184G>T, p.Cys395Phe (NM_001289093.2); c.1439G>T, p.Cys480Phe (NM_001289094.2); short protein forms C435F, C449F, C480F, C489F, C469F, C509F, C395F.
Identifiers: ClinVar variation 855414 (VCV000855414.10), dbSNP rs1255236125, ClinGen allele CA361245394.
Genomic context (GRCh38, chr5:140,674,261, plus strand): 5'-GTCTTAACCTCAAATAGTGCCAGTCCCACTTCCTTTCCTCTGATAGTTTGTTCAGTTCAG[C>A]AGATGCAGAGGGGCTGGCCTGTTCTCCTTTTGATTTCCTCCACAAGGTCTTCTCTTCGGA-3'
Protein context (NP_002100.2, residues 499-509): KRRTGQPLCI[Cys509Phe]

ClinVar aggregate classification (germline): Uncertain significance. Review status: criteria provided, multiple submitters, no conflicts (2 of 4 stars). 2 submissions from 2 submitters: Uncertain significance (2). Last evaluated 2022-12-02.

Conditions:
Usher syndrome type 3B. Also called: USHER SYNDROME, TYPE IIIB. Identifiers: MedGen C3281066, MONDO:0013788, OMIM 614504.

Allele frequency attached by ClinVar (database versions not stated): TOPMed below 0.00001; gnomAD 0.00001.
gnomAD v4.1: 1 of 1,598,302 alleles (0.000063%); highest among the groups gnomAD compares: African/African-American, 0.0013%; no homozygotes.

Submissions (2):

Labcorp Genetics (formerly Invitae), Labcorp
Classification: Uncertain significance for Usher syndrome type 3B. Last evaluated: 2022-12-02. Review status: criteria provided, single submitter. Criteria: Invitae Variant Classification Sherloc (09022015). Collection method: clinical testing. Allele origin: germline.
Comment: This variant has not been reported in the literature in individuals affected with HARS-related conditions. This variant is not present in population databases (gnomAD no frequency). This sequence change replaces cysteine, which is neutral and slightly polar, with phenylalanine, which is neutral and non-polar, at codon 509 of the HARS protein (p.Cys509Phe). ClinVar contains an entry for this variant (Variation ID: 855414). In summary, the available evidence is currently insufficient to determine the role of this variant in disease. Therefore, it has been classified as a Variant of Uncertain Significance. Algorithms developed to predict the effect of missense changes on protein structure and function (SIFT, PolyPhen-2, Align-GVGD) all suggest that this variant is likely to be tolerated.

Blueprint Genetics
Classification: Uncertain significance. Last evaluated: 2022-08-24. Review status: criteria provided, single submitter. Criteria: ACMG Guidelines, 2015. Collection method: clinical testing. Allele origin: germline.